The following is an entry in ClinVar:

NM_000642.3(AGL):c.1895T>C (p.Ile632Thr)

Gene: AGL (amylo-alpha-1,6-glucosidase and 4-alpha-glucanotransferase; plus strand). Cytogenetic location: 1p21.2.
Variant type: single nucleotide variant.
Coding change: c.1895T>C on transcript NM_000642.3 (MANE Select); coding-DNA position 1895, T replaced by C.
Protein change: p.Ile632Thr; replaces isoleucine 632 with threonine.
Molecular consequence: missense variant.
Genome position (GRCh38, 1-based): chr1:99,880,791, T>C. VCF-style: chr1-99880791-T-C. GRCh37 (hg19) VCF-style: chr1-100346347-T-C.
Other names: c.1895T>C, p.Ile632Thr (NM_000028.3, NM_000643.3, NM_000644.3 and 2 more transcripts); c.1847T>C, p.Ile616Thr (NM_000646.3); c.1694T>C, p.Ile565Thr (NM_001425327.1); c.1691T>C, p.Ile564Thr (NM_001425328.1, NM_001425329.1); c.1517T>C, p.Ile506Thr (NM_001425332.1); short protein forms I632T, I616T, I506T, I564T, I565T.
Identifiers: ClinVar variation 456460 (VCV000456460.16), dbSNP rs138823746, ClinGen allele CA966616.

ClinVar aggregate classification (germline): Conflicting classifications of pathogenicity. Review status: criteria provided, conflicting classifications (1 of 4 stars). 4 submissions from 4 submitters: Uncertain significance (2); Likely benign (1). 1 of the submissions does not count toward it. Last evaluated 2026-01-25.

Conditions:
Glycogen storage disease type III (GSD3). Also called: FORBES DISEASE; Cori disease. Identifiers: Orphanet 366, MedGen C0017922, MONDO:0009291, OMIM 232400.
Inborn genetic diseases. Identifiers: MedGen C0950123, MeSH D030342.

Allele frequency attached by ClinVar (database versions not stated): gnomAD exomes 0.00002; gnomAD 0.00016; TOPMed 0.00016.
gnomAD v4.1: 56 of 1,613,886 alleles (0.0035%); highest among the groups gnomAD compares: African/African-American, 0.064%; no homozygotes.

Submissions (4):

Labcorp Genetics (formerly Invitae), Labcorp
Classification: Likely benign for Glycogen storage disease type III. Last evaluated: 2026-01-25. Review status: criteria provided, single submitter. Criteria: Invitae Variant Classification Sherloc (09022015). Collection method: clinical testing. Allele origin: germline.

GeneDx
Classification: Uncertain significance. Last evaluated: 2022-03-03. Review status: criteria provided, single submitter. Criteria: GeneDx Variant Classification Process June 2021. Collection method: clinical testing. Allele origin: germline. Affected: yes.
Comment: In silico analysis supports that this missense variant has a deleterious effect on protein structure/function; Has not been previously published as pathogenic or benign to our knowledge

Ambry Genetics
Classification: Uncertain significance for Inborn genetic diseases. Last evaluated: 2021-07-14. Review status: criteria provided, single submitter. Criteria: Ambry Variant Classification Scheme 2023. Collection method: clinical testing. Allele origin: germline.

Natera, Inc.
Classification: Uncertain significance for Glycogen storage disease type III. Last evaluated: 2019-10-28. Review status: no assertion criteria provided. Collection method: clinical testing. Allele origin: germline. Not counted in ClinVar's aggregate classification.